The following is an entry in ClinVar:

ClinVar aggregate classification (germline): Likely benign (0 of 4 stars; one submission).

Conditions:
RYR3-related disorder. Also called: RYR3-related condition.

Allele frequency attached by ClinVar (database versions not stated): gnomAD 0.00005; TOPMed 0.00005.
gnomAD v4.1: 10 of 1,614,020 alleles (0.00062%); highest among the groups gnomAD compares: African/African-American, 0.013%; no homozygotes.

Submission:

PreventionGenetics, part of Exact Sciences
Classification: Likely benign for RYR3-related condition. Last evaluated: 2023-04-25. Review status: no assertion criteria provided. Collection method: clinical testing. Allele origin: germline.
Comment: This variant is classified as likely benign based on ACMG/AMP sequence variant interpretation guidelines (Richards et al. 2015 PMID: 25741868, with internal and published modifications).

NM_001036.6(RYR3):c.4986G>A (p.Lys1662=)

Gene: RYR3 (ryanodine receptor 3; plus strand). Cytogenetic location: 15q14.
Variant type: single nucleotide variant.
Coding change: c.4986G>A on transcript NM_001036.6 (MANE Select); coding-DNA position 4986, G replaced by A.
Protein change: p.Lys1662=; no amino-acid change (lysine 1662 retained).
Molecular consequence: synonymous variant.
Genome position (GRCh38, 1-based): chr15:33,662,516, G>A. VCF-style: chr15-33662516-G-A. GRCh37 (hg19) VCF-style: chr15-33954717-G-A.
Other names: c.4986G>A, p.Lys1662= (NM_001243996.4).
Identifiers: ClinVar variation 3036987 (VCV003036987.2), dbSNP rs1307984411, ClinGen allele CA489648743.